The following is an entry in ClinVar:

NM_005559.4(LAMA1):c.1796C>T (p.Thr599Met)

Gene: LAMA1 (laminin subunit alpha 1; minus strand). Cytogenetic location: 18p11.31.
Variant type: single nucleotide variant.
Coding change: c.1796C>T on transcript NM_005559.4 (MANE Select); coding-DNA position 1796, C replaced by T.
Protein change: p.Thr599Met; replaces threonine 599 with methionine.
Molecular consequence: missense variant.
Genome position (GRCh38, 1-based): chr18:7,036,030, G>A on the plus strand (C>T on the coding strand, the complement: LAMA1 is on the minus strand). VCF-style: chr18-7036030-G-A. GRCh37 (hg19) VCF-style: chr18-7036029-G-A.
Other names: c.1796C>T (NM_005559.3); short protein forms T599M.
Identifiers: ClinVar variation 1593096 (VCV001593096.13), dbSNP rs148234507, ClinGen allele CA8882865.

ClinVar aggregate classification (germline): Conflicting classifications of pathogenicity. Review status: criteria provided, conflicting classifications (1 of 4 stars). 4 submissions from 4 submitters: Uncertain significance (3); Likely benign (1). Last evaluated 2026-01-28.

Conditions:
Inborn genetic diseases. Identifiers: MedGen C0950123, MeSH D030342.

Allele frequency attached by ClinVar (database versions not stated): gnomAD exomes 0.00004; ExAC 0.00007; gnomAD 0.00026; TOPMed 0.00031; ESP Exome Variant Server 0.00046.
gnomAD v4.1: 103 of 1,614,124 alleles (0.0064%); highest among the groups gnomAD compares: African/African-American, 0.075%; 1 homozygote.

Submissions (4):

Labcorp Genetics (formerly Invitae), Labcorp
Classification: Likely benign. Last evaluated: 2026-01-28. Review status: criteria provided, single submitter. Criteria: Invitae Variant Classification Sherloc (09022015). Collection method: clinical testing. Allele origin: germline.

Women's Health and Genetics/Laboratory Corporation of America, LabCorp
Classification: Uncertain significance. Last evaluated: 2025-04-11. Review status: criteria provided, single submitter. Criteria: LabCorp Variant Classification Summary - May 2015. Collection method: clinical testing. Allele origin: germline.
Comment: Variant summary: LAMA1 c.1796C>T (p.Thr599Met) results in a non-conservative amino acid change located in the Laminin IV domain (IPR000034) of the encoded protein sequence. Four of five in-silico tools predict a damaging effect of the variant on protein function. The variant allele was found at a frequency of 4e-05 in 251480 control chromosomes. This frequency is not significantly higher than estimated for a pathogenic variant in LAMA1 causing Ataxia-Intellectual Disability-Oculomotor Apraxia-Cerebellar Cysts Syndrome, allowing no conclusion about variant significance. To our knowledge, no occurrence of c.1796C>T in individuals affected with Ataxia-Intellectual Disability-Oculomotor Apraxia-Cerebellar Cysts Syndrome and no experimental evidence demonstrating its impact on protein function have been reported. ClinVar contains an entry for this variant (Variation ID: 1593096). Based on the evidence outlined above, the variant was classified as uncertain significance.

GeneDx
Classification: Uncertain significance. Last evaluated: 2024-01-29. Review status: criteria provided, single submitter. Criteria: GeneDx Variant Classification Process June 2021. Collection method: clinical testing. Allele origin: germline. Affected: yes.
Comment: In silico analysis supports that this missense variant has a deleterious effect on protein structure/function; Has not been previously published as pathogenic or benign to our knowledge

Ambry Genetics
Classification: Uncertain significance for Inborn genetic diseases. Last evaluated: 2022-04-14. Review status: criteria provided, single submitter. Criteria: Ambry Variant Classification Scheme 2023. Collection method: clinical testing. Allele origin: germline.